The following is an entry in ClinVar:

NM_000465.4(BARD1):c.1396-27_1396-19del

Gene: BARD1 (BRCA1 associated RING domain 1; minus strand). Cytogenetic location: 2q35.
Variant type: Microsatellite.
Coding change: c.1396-27_1396-19del on transcript NM_000465.4 (MANE Select); 27 bases into the intron before coding-DNA position 1396 through 19 bases into the intron before coding-DNA position 1396, 9 bases deleted (CACTTCTTT; older notation c.1396-27_1396-19delCACTTCTTT).
Molecular consequence: intron variant.
Genome position (GRCh38, 1-based): chr2:214,767,673-214,767,681, AAAGAAGTG deleted on the plus strand (CACTTCTTT on the coding strand, the reverse complement: BARD1 is on the minus strand); deleting any 9 consecutive bases within chr2:214,767,673-214,767,691 gives the same sequence; the c. name uses the placement nearest the transcript's 3' end. VCF-style (leftmost placement, unchanged base first): chr2-214767672-AAAAGAAGTG-A. GRCh37 (hg19) VCF-style: chr2-215632396-AAAAGAAGTG-A.
Other names: c.159-15126_159-15118del (NM_001282548.2); c.1339-27_1339-19del (NM_001282543.2); c.216-15126_216-15118del (NM_001282545.2); c.364+24616_364+24624del (NM_001282549.2).
Identifiers: ClinVar variation 2917939 (VCV002917939.4), dbSNP rs2469445143, ClinGen allele CA2662971681.

ClinVar aggregate classification (germline): Benign/Likely benign. Review status: criteria provided, multiple submitters, no conflicts (2 of 4 stars). 2 submissions from 2 submitters: Benign (1); Likely benign (1). Last evaluated 2026-01-13.

Conditions:
Familial cancer of breast. Also called: hereditary breast carcinoma; Hereditary breast cancer; BREAST CANCER, FAMILIAL. Identifiers: Orphanet 227535, MedGen C0346153, MONDO:0016419, OMIM 114480. Disease mechanism: loss of function.

Submissions (2):

Labcorp Genetics (formerly Invitae), Labcorp
Classification: Likely benign for Familial cancer of breast. Last evaluated: 2026-01-13. Review status: criteria provided, single submitter. Criteria: Invitae Variant Classification Sherloc (09022015). Collection method: clinical testing. Allele origin: germline.

Myriad Genetics, Inc.
Classification: Benign for Familial cancer of breast. Last evaluated: 2024-07-25. Review status: criteria provided, single submitter. Criteria: Myriad Autosomal Dominant, Autosomal Recessive and X-Linked Classification Criteria (2023). Collection method: clinical testing. Allele origin: unknown.
Comment: This variant is considered benign. This variant is intronic and is not expected to impact mRNA splicing.